The following is an entry in ClinVar:

ClinVar aggregate classification (germline): Uncertain significance (1 of 4 stars; one submission).

Conditions:
Transcobalamin II deficiency (TCN2D). Also called: Transcolabamin II deficiency; TC II DEFICIENCY; TCN2 DEFICIENCY. Identifiers: Orphanet 859, MedGen C0342701, MONDO:0010149, OMIM 275350.

Allele frequency attached by ClinVar (database versions not stated): gnomAD exomes below 0.00001; TOPMed below 0.00001.
gnomAD v4.1: 2 of 1,614,094 alleles (0.00012%); highest among the groups gnomAD compares: Non-Finnish European, 0.00017%; no homozygotes.

Submission:

Labcorp Genetics (formerly Invitae), Labcorp
Classification: Uncertain significance for Transcobalamin II deficiency. Last evaluated: 2021-09-24. Review status: criteria provided, single submitter. Criteria: Invitae Variant Classification Sherloc (09022015). Collection method: clinical testing. Allele origin: germline.
Comment: This sequence change replaces tyrosine with histidine at codon 380 of the TCN2 protein (p.Tyr380His). The tyrosine residue is moderately conserved and there is a moderate physicochemical difference between tyrosine and histidine. This variant is not present in population databases (ExAC no frequency). This variant has not been reported in the literature in individuals affected with TCN2-related conditions. Algorithms developed to predict the effect of missense changes on protein structure and function are either unavailable or do not agree on the potential impact of this missense change (SIFT: "Deleterious"; PolyPhen-2: "Probably Damaging"; Align-GVGD: "Class C0"). In summary, the available evidence is currently insufficient to determine the role of this variant in disease. Therefore, it has been classified as a Variant of Uncertain Significance.

NM_000355.4(TCN2):c.1138T>C (p.Tyr380His)

Gene: TCN2 (transcobalamin 2; plus strand). Cytogenetic location: 22q12.2.
Variant type: single nucleotide variant.
Coding change: c.1138T>C on transcript NM_000355.4 (MANE Select); coding-DNA position 1138, T replaced by C.
Protein change: p.Tyr380His; replaces tyrosine 380 with histidine.
Molecular consequence: missense variant.
Genome position (GRCh38, 1-based): chr22:30,622,999, T>C. VCF-style: chr22-30622999-T-C. GRCh37 (hg19) VCF-style: chr22-31018986-T-C.
Other names: c.1057T>C, p.Tyr353His (NM_001184726.2); short protein forms Y353H, Y380H.
Identifiers: ClinVar variation 1519401 (VCV001519401.3), dbSNP rs2087720717, ClinGen allele CA411216643.